The following is an entry in ClinVar:

NM_030653.4(DDX11):c.2516A>G (p.Lys839Arg)

Gene: DDX11 (DEAD/H-box helicase 11; plus strand). Cytogenetic location: 12p11.21.
Variant type: single nucleotide variant.
Coding change: c.2516A>G on transcript NM_030653.4 (MANE Select); coding-DNA position 2516, A replaced by G.
Protein change: p.Lys839Arg; replaces lysine 839 with arginine.
Molecular consequence: missense variant. On other transcripts: synonymous variant (6), non-coding transcript variant (3).
Genome position (GRCh38, 1-based): chr12:31,103,375, A>G. VCF-style: chr12-31103375-A-G. GRCh37 (hg19) VCF-style: chr12-31256309-A-G.
Other names: c.2511A>G, p.Glu837= (NM_001257144.2, NM_001413695.1, NM_001413696.1 and 1 more transcripts); c.2438A>G, p.Lys813Arg (NM_001257145.2, NM_001413697.1, NM_001413698.1); c.2516A>G, p.Lys839Arg (NM_001413692.1, NM_001413693.1, NM_001413694.1); c.2433A>G, p.Glu811= (NM_001413699.1); c.2429A>G, p.Lys810Arg (NM_001413700.1); c.1988A>G, p.Lys663Arg (NM_001413702.1, NM_001413703.1); c.1650A>G, p.Glu550= (NM_001413704.1); c.1655A>G, p.Lys552Arg (NM_001413705.1); and 2 more; short protein forms K813R, K552R, K810R, K517R, K663R, K789R, K839R.
Identifiers: ClinVar variation 2409999 (VCV002409999.5), dbSNP rs766014429, ClinGen allele CA6501862.

ClinVar aggregate classification (germline): Uncertain significance. Review status: criteria provided, multiple submitters, no conflicts (2 of 4 stars). 2 submissions from 2 submitters: Uncertain significance (2). Last evaluated 2024-09-26.

Conditions:
Inborn genetic diseases. Identifiers: MedGen C0950123, MeSH D030342.

Allele frequency attached by ClinVar (database versions not stated): TOPMed 0.00003; gnomAD 0.00004; gnomAD exomes 0.00005.
gnomAD v4.1: 72 of 1,610,012 alleles (0.0045%); highest among the groups gnomAD compares: Non-Finnish European, 0.0055%; no homozygotes.

Submissions (2):

Ambry Genetics
Classification: Uncertain significance for Inborn genetic diseases. Last evaluated: 2024-09-26. Review status: criteria provided, single submitter. Criteria: Ambry Variant Classification Scheme 2023. Collection method: clinical testing. Allele origin: germline.

Women's Health and Genetics/Laboratory Corporation of America, LabCorp
Classification: Uncertain significance. Last evaluated: 2024-02-21. Review status: criteria provided, single submitter. Criteria: LabCorp Variant Classification Summary - May 2015. Collection method: clinical testing. Allele origin: germline.
Comment: Variant summary: DDX11 c.2516A>G (p.Lys839Arg) results in a conservative amino acid change located in the ATP-dependent helicase, C-terminal (IPR006555) of the encoded protein sequence. Four of five in-silico tools predict a benign effect of the variant on protein function. The variant allele was found at a frequency of 2.2e-05 in 226336 control chromosomes. The available data on variant occurrences in the general population are insufficient to allow any conclusion about variant significance. To our knowledge, no occurrence of c.2516A>G in individuals affected with Warsaw Breakage Syndrome and no experimental evidence demonstrating its impact on protein function have been reported. ClinVar contains an entry for this variant (Variation ID: 2409999). Based on the evidence outlined above, the variant was classified as uncertain significance.